The following is an entry in ClinVar:

ClinVar aggregate classification (germline): Likely pathogenic (1 of 4 stars; one submission).

Conditions:
Cholestasis, progressive familial intrahepatic, 7, with or without hearing loss. Identifiers: MedGen C5562043, MONDO:0030503, OMIM 619658.

Allele frequency attached by ClinVar (database versions not stated): TOPMed below 0.00001.

Submission:

Neuberg Centre For Genomic Medicine, NCGM
Classification: Likely pathogenic for Cholestasis, progressive familial intrahepatic, 7, with or without hearing loss. Last evaluated: 2023-06-22. Review status: criteria provided, single submitter. Criteria: ACMG Guidelines, 2015. Collection method: clinical testing. Allele origin: germline. Inheritance: Autosomal dominant inheritance. Affected: yes.
Comment: The splice donor c.237+1G>A variant in the USP53 gene has not been reported previously as a pathogenic variant nor as a benign variant, to our knowledge. The variant is novel not in any individuals in gnomAD Exomes and 1000 Genomes. This variant affects the GT donor splice site downstream of exon 6. This variant is predicted to cause a loss of normal protein function through protein truncation. Loss of function variants has been previously reported to be disease causing Zhang et al., 2020. For these reasons, this variant has been classified as Likely Pathogenic.

NM_001371395.1(USP53):c.237+1G>A

Gene: USP53 (ubiquitin specific peptidase 53; plus strand). Cytogenetic location: 4q26.
Variant type: single nucleotide variant.
Coding change: c.237+1G>A on transcript NM_001371395.1 (MANE Select); the canonical splice donor site of the intron after coding-DNA position 237, G replaced by A.
Molecular consequence: splice donor variant.
Genome position (GRCh38, 1-based): chr4:119,245,430, G>A. VCF-style: chr4-119245430-G-A. GRCh37 (hg19) VCF-style: chr4-120166585-G-A.
Other names: c.237+1G>A (NM_019050.3, NM_001389661.1, NM_001389658.1 and 6 more transcripts); c.-112+1G>A (NM_001389663.1, NM_001389667.1, NM_001389664.1 and 3 more transcripts).
Identifiers: ClinVar variation 2671669 (VCV002671669.2), dbSNP rs1748106152, ClinGen allele CA358023031.